The following is an entry in ClinVar:

ClinVar aggregate classification (germline): Uncertain significance. Review status: criteria provided, multiple submitters, no conflicts (2 of 4 stars). 2 submissions from 2 submitters: Uncertain significance (2). Last evaluated 2023-03-04.

Conditions:
Inborn genetic diseases. Identifiers: MedGen C0950123, MeSH D030342.
Cowden syndrome 6 (CWS6). Identifiers: Orphanet 201, MedGen C3554519, MONDO:0014048, OMIM 615109.

Allele frequency attached by ClinVar (database versions not stated): gnomAD exomes below 0.00001; TOPMed below 0.00001; ExAC 0.00001; gnomAD 0.00001.
gnomAD v4.1: 8 of 1,614,010 alleles (0.0005%); highest among the groups gnomAD compares: African/African-American, 0.0027%; no homozygotes.

Submissions (2):

Labcorp Genetics (formerly Invitae), Labcorp
Classification: Uncertain significance for Cowden syndrome 6. Last evaluated: 2023-03-04. Review status: criteria provided, single submitter. Criteria: Invitae Variant Classification Sherloc (09022015). Collection method: clinical testing. Allele origin: germline.
Comment: This sequence change replaces serine, which is neutral and polar, with leucine, which is neutral and non-polar, at codon 431 of the AKT1 protein (p.Ser431Leu). In summary, the available evidence is currently insufficient to determine the role of this variant in disease. Therefore, it has been classified as a Variant of Uncertain Significance. An algorithm developed to predict the effect of missense changes on protein structure and function (PolyPhen-2) suggests that this variant is likely to be disruptive. ClinVar contains an entry for this variant (Variation ID: 1769135). This variant has not been reported in the literature in individuals affected with AKT1-related conditions. This variant is present in population databases (rs755597789, gnomAD 0.0009%).

Ambry Genetics
Classification: Uncertain significance for Inborn genetic diseases. Last evaluated: 2021-06-22. Review status: criteria provided, single submitter. Criteria: Ambry Variant Classification Scheme 2023. Collection method: clinical testing. Allele origin: germline.
Comment: The p.S431L variant (also known as c.1292C>T), located in coding exon 12 of the AKT1 gene, results from a C to T substitution at nucleotide position 1292. The serine at codon 431 is replaced by leucine, an amino acid with dissimilar properties. This amino acid position is conserved. In addition, the in silico prediction for this alteration is inconclusive. Since supporting evidence is limited at this time, the clinical significance of this alteration remains unclear.

NM_001382430.1(AKT1):c.1292C>T (p.Ser431Leu)

Gene: AKT1 (AKT serine/threonine kinase 1; minus strand). Cytogenetic location: 14q32.33.
Variant type: single nucleotide variant.
Coding change: c.1292C>T on transcript NM_001382430.1 (MANE Select); coding-DNA position 1292, C replaced by T.
Protein change: p.Ser431Leu; replaces serine 431 with leucine.
Molecular consequence: missense variant.
Genome position (GRCh38, 1-based): chr14:104,770,816, G>A on the plus strand (C>T on the coding strand, the complement: AKT1 is on the minus strand). VCF-style: chr14-104770816-G-A. GRCh37 (hg19) VCF-style: chr14-105237153-G-A.
Other names: c.1292C>T, p.Ser431Leu (NM_001014431.2, NM_001014432.2, NM_001382431.1 and 3 more transcripts); short protein forms S431L.
Identifiers: ClinVar variation 1769135 (VCV001769135.7), dbSNP rs755597789, ClinGen allele CA7374478.